The following is an entry in ClinVar:

ClinVar aggregate classification (germline): Pathogenic. Review status: criteria provided, multiple submitters, no conflicts (2 of 4 stars). 9 submissions from 9 submitters: Pathogenic (8). 1 of the submissions does not count toward it. Last evaluated 2025-12-30.

Conditions:
JAG1-related disorder. Also called: JAG1-related condition; JAG1-related disorders.
Tetralogy of Fallot (TOF). Identifiers: Orphanet 3303, MedGen C0039685, MONDO:0008542, OMIM 187500, HP:0001636.
Alagille syndrome due to a JAG1 point mutation. Also called: JAG1-Related Alagille Syndrome; Alagille Syndrome 1; HEPATIC DUCTULAR HYPOPLASIA, SYNDROMATIC. Identifiers: Orphanet 261619, Orphanet 52, MedGen C1956125, MONDO:0016862, OMIM 118450.
Deafness, congenital heart defects, and posterior embryotoxon (DCHE). Identifiers: MedGen C1866053, MONDO:0060713, OMIM 617992.
Charcot-Marie-Tooth disease, axonal, Type 2HH. Also called: CHARCOT-MARIE-TOOTH NEUROPATHY, TYPE 2HH. Identifiers: MedGen C5562003, MONDO:0030458, OMIM 619574.

gnomAD v4.1: 1 of 1,613,772 alleles (0.000062%); highest among the groups gnomAD compares: Non-Finnish European, 0.000085%; no homozygotes.

Submissions (9):

Labcorp Genetics (formerly Invitae), Labcorp
Classification: Pathogenic for Alagille syndrome due to a JAG1 point mutation. Last evaluated: 2025-12-30. Review status: criteria provided, single submitter. Criteria: Invitae Variant Classification Sherloc (09022015). Collection method: clinical testing. Allele origin: germline.
Comment: This sequence change creates a premature translational stop signal (p.Arg235*) in the JAG1 gene. It is expected to result in an absent or disrupted protein product. Loss-of-function variants in JAG1 are known to be pathogenic (PMID: 11180599). This variant is not present in population databases (gnomAD no frequency). This premature translational stop signal has been observed in individual(s) with Alagille syndrome (PMID: 9585603, 23891399, 24748328, 26076142). ClinVar contains an entry for this variant (Variation ID: 234320). For these reasons, this variant has been classified as Pathogenic.

Genesolutions, Medical Genetics Institutes, Ho Chi Minh City, Vietnam
Classification: Pathogenic for Alagille syndrome due to a JAG1 point mutation. Last evaluated: 2025-09-24. Review status: criteria provided, single submitter. Criteria: ACMG Guidelines, 2015. Collection method: clinical testing. Allele origin: germline. Affected: yes.

Fulgent Genetics
Classification: Pathogenic for Alagille syndrome due to a JAG1 point mutation; Tetralogy of Fallot; Deafness, congenital heart defects, and posterior embryotoxon; Charcot-Marie-Tooth disease, axonal, Type 2HH. Last evaluated: 2024-05-31. Review status: criteria provided, single submitter. Criteria: ACMG Guidelines, 2015. Collection method: clinical testing. Allele origin: germline.

Blueprint Genetics
Classification: Pathogenic for JAG1-related disorders. Last evaluated: 2021-12-15. Review status: criteria provided, single submitter. Criteria: ACMG Guidelines, 2015. Collection method: clinical testing. Allele origin: germline. Affected: yes. Observed: 3 variant alleles.

GeneDx
Classification: Pathogenic. Last evaluated: 2021-12-06. Review status: criteria provided, single submitter. Criteria: GeneDx Variant Classification Process June 2021. Collection method: clinical testing. Allele origin: germline. Affected: yes.
Comment: Nonsense variant predicted to result in nonsense mediated decay in a gene for which loss-of-function is a known mechanism of disease; Not observed in large population cohorts (Lek et al., 2016); This variant is associated with the following publications: (PMID: 25525159, 24748328, 27256232, 11139247, 26076142, 9585603, 29707407, 11180599, 31343788)

Laboratory of Medical Genetics, National & Kapodistrian University of Athens
Classification: Pathogenic for Alagille syndrome due to a JAG1 point mutation. Last evaluated: 2021-10-05. Review status: criteria provided, single submitter. Criteria: ACMG Guidelines, 2015. Collection method: clinical testing. Allele origin: unknown. Affected: yes.
Comment: PVS1, PM2, PP3, PP5

Eurofins Ntd Llc (ga)
Classification: Pathogenic. Last evaluated: 2018-05-15. Review status: criteria provided, single submitter. Criteria: EGL ClinVar v180209 classification definitions. Collection method: clinical testing. Allele origin: germline. Observed: 3 variant alleles, 3 heterozygotes.

Laboratoire de Génétique Moléculaire, CHU Bordeaux
Classification: Pathogenic. Review status: criteria provided, single submitter. Criteria: ACMG Guidelines, 2015. Collection method: clinical testing. Allele origin: germline. Affected: yes.

PreventionGenetics, part of Exact Sciences
Classification: Pathogenic for JAG1-related condition. Last evaluated: 2023-11-20. Review status: no assertion criteria provided. Collection method: clinical testing. Allele origin: germline. Not counted in ClinVar's aggregate classification.
Comment: The JAG1 c.703C>T variant is predicted to result in premature protein termination (p.Arg235*). This variant has been previously reported in individuals with Alagille syndrome, in some cases occurring de novo (see for example Krantz et al. 1998. PubMed ID: 9585603; Colliton et al. 2001. PubMed ID: 11180599; Jurkiewicz et al 2014. PubMed ID: 24748328). This variant has not been reported in a large population database, indicating this variant is rare. Nonsense variants in JAG1 are expected to be pathogenic. This variant is interpreted as pathogenic.

Literature cited by the submitters: PubMed 11180599 (cited by Labcorp Genetics (formerly Invitae), Labcorp); PubMed 9585603 (cited by Labcorp Genetics (formerly Invitae), Labcorp and Eurofins Ntd Llc (ga)); PubMed 23891399 (cited by Labcorp Genetics (formerly Invitae), Labcorp); PubMed 24748328 (cited by Labcorp Genetics (formerly Invitae), Labcorp); PubMed 26076142 (cited by Labcorp Genetics (formerly Invitae), Labcorp).

NM_000214.3(JAG1):c.703C>T (p.Arg235Ter)

Gene: JAG1 (jagged canonical Notch ligand 1; minus strand). Cytogenetic location: 20p12.2.
Variant type: single nucleotide variant.
Coding change: c.703C>T on transcript NM_000214.3 (MANE Select); coding-DNA position 703, C replaced by T.
Protein change: p.Arg235Ter; replaces arginine 235 with a stop codon.
Molecular consequence: nonsense.
Genome position (GRCh38, 1-based): chr20:10,656,450, G>A on the plus strand (C>T on the coding strand, the complement: JAG1 is on the minus strand). VCF-style: chr20-10656450-G-A. GRCh37 (hg19) VCF-style: chr20-10637098-G-A.
Other names: c.703C>T, p.Arg235Ter (LRG_1191t1); short protein forms R235*.
Identifiers: ClinVar variation 234320 (VCV000234320.24), dbSNP rs876660980, ClinGen allele CA10577624.
Genomic context (GRCh38, chr20:10,656,450, plus strand): 5'-TGATTTACCTGCAGTCACCTGGGAGTTTGCAAGACCCATGCTTAGGACTGCAGCCTTGTC[G>A]GCAAATAGCTGTAAAAAACAGAGAAGGGCGTGTCAGCACACTGCCTGTTCCTTGCATCGC-3'